The following is an entry in ClinVar:

ClinVar aggregate classification (germline): Uncertain significance (1 of 4 stars; one submission).

Conditions:
Familial thoracic aortic aneurysm and aortic dissection (TAAD). Also called: Thoracic aortic aneurysms and dissections. Identifiers: Orphanet 91387, MedGen C4707243, MONDO:0019625.

Submission:

Color Diagnostics, LLC DBA Color Health
Classification: Uncertain significance for Familial thoracic aortic aneurysm and aortic dissection. Last evaluated: 2023-06-13. Review status: criteria provided, single submitter. Criteria: ACMG Guidelines, 2015. Collection method: clinical testing. Allele origin: germline.
Comment: This missense variant replaces alanine with valine at codon 791 of the COL3A1 protein. Computational prediction suggests that this variant may not impact protein structure and function (internally defined REVEL score threshold <= 0.5, PMID: 27666373). To our knowledge, functional studies have not been reported for this variant. This variant has not been reported in individuals affected with COL3A1-related disorders in the literature. This variant has not been identified in the general population by the Genome Aggregation Database (gnomAD). The available evidence is insufficient to determine the role of this variant in disease conclusively. Therefore, this variant is classified as a Variant of Uncertain Significance.

NM_000090.4(COL3A1):c.2372C>T (p.Ala791Val)

Genes: COL3A1 (collagen type III alpha 1 chain; plus strand), LOC126806446 (P300/CBP strongly-dependent group 1 enhancer GRCh37_chr2:189866210-189867409; plus strand). Cytogenetic location: 2q32.2.
Variant type: single nucleotide variant.
Coding change: c.2372C>T on transcript NM_000090.4 (MANE Select); coding-DNA position 2372, C replaced by T.
Protein change: p.Ala791Val; replaces alanine 791 with valine.
Molecular consequence: missense variant.
Genome position (GRCh38, 1-based): chr2:189,001,570, C>T. VCF-style: chr2-189001570-C-T. GRCh37 (hg19) VCF-style: chr2-189866296-C-T.
Other names: short protein forms A791V.
Identifiers: ClinVar variation 2775123 (VCV002775123.2), dbSNP rs2469148093, ClinGen allele CA349842525.